The following is an entry in ClinVar:

NM_001128840.3(CACNA1D):c.3828C>T (p.Ile1276=)

Gene: CACNA1D (calcium voltage-gated channel subunit alpha1 D; plus strand). Cytogenetic location: 3p21.1.
Variant type: single nucleotide variant.
Coding change: c.3828C>T on transcript NM_001128840.3 (MANE Select); coding-DNA position 3828, C replaced by T.
Protein change: p.Ile1276=; no amino-acid change (isoleucine 1276 retained).
Molecular consequence: synonymous variant.
Genome position (GRCh38, 1-based): chr3:53,762,039, C>T. VCF-style: chr3-53762039-C-T. GRCh37 (hg19) VCF-style: chr3-53796066-C-T.
Other names: c.3888C>T, p.Ile1296= (NM_000720.4); c.3828C>T, p.Ile1276= (NM_001128839.3); c.3888C>T (NM_000720.3).
Identifiers: ClinVar variation 3022155 (VCV003022155.4), dbSNP rs776623152, ClinGen allele CA2454696.

ClinVar aggregate classification (germline): Likely benign. Review status: criteria provided, single submitter (1 of 4 stars). 2 submissions from 2 submitters: Likely benign (1). 1 of the submissions does not count toward it. Last evaluated 2025-10-10.

Conditions:
CACNA1D-related disorder.

Allele frequency attached by ClinVar (database versions not stated): gnomAD 0.00002; TOPMed 0.00004; ExAC 0.00001.
gnomAD v4.1: 18 of 1,613,728 alleles (0.0011%); highest among the groups gnomAD compares: African/African-American, 0.0067%; no homozygotes.

Submissions (2):

Labcorp Genetics (formerly Invitae), Labcorp
Classification: Likely benign. Last evaluated: 2025-10-10. Review status: criteria provided, single submitter. Criteria: Invitae Variant Classification Sherloc (09022015). Collection method: clinical testing. Allele origin: germline.

PreventionGenetics, part of Exact Sciences
Classification: Likely benign for CACNA1D-related condition. Last evaluated: 2024-06-22. Review status: no assertion criteria provided. Collection method: clinical testing. Allele origin: germline. Not counted in ClinVar's aggregate classification.
Comment: This variant is classified as likely benign based on ACMG/AMP sequence variant interpretation guidelines (Richards et al. 2015 PMID: 25741868, with internal and published modifications).